The following is an entry in ClinVar:

ClinVar aggregate classification (germline): Uncertain significance (1 of 4 stars; one submission).

Conditions:
Alpha-methylacyl-CoA racemase deficiency (AMACRD). Also called: AMACR deficiency. Identifiers: Orphanet 79095, MedGen C3280428, MONDO:0013681, OMIM 614307. Disease mechanism: loss of function.

Submission:

Labcorp Genetics (formerly Invitae), Labcorp
Classification: Uncertain significance for Alpha-methylacyl-CoA racemase deficiency. Last evaluated: 2021-10-05. Review status: criteria provided, single submitter. Criteria: Invitae Variant Classification Sherloc (09022015). Collection method: clinical testing. Allele origin: germline.
Comment: This sequence change replaces glycine with aspartic acid at codon 140 of the AMACR protein (p.Gly140Asp). The glycine residue is moderately conserved and there is a moderate physicochemical difference between glycine and aspartic acid. This variant is not present in population databases (ExAC no frequency). This variant has not been reported in the literature in individuals affected with AMACR-related conditions. Algorithms developed to predict the effect of missense changes on protein structure and function output the following: SIFT: "Tolerated"; PolyPhen-2: "Benign"; Align-GVGD: "Class C0". The aspartic acid amino acid residue is found in multiple mammalian species, which suggests that this missense change does not adversely affect protein function. In summary, the available evidence is currently insufficient to determine the role of this variant in disease. Therefore, it has been classified as a Variant of Uncertain Significance.

NM_014324.6(AMACR):c.419G>A (p.Gly140Asp)

Genes: AMACR (alpha-methylacyl-CoA racemase; minus strand), C1QTNF3-AMACR (C1QTNF3-AMACR readthrough (NMD candidate); minus strand). Cytogenetic location: 5p13.2.
Variant type: single nucleotide variant.
Coding change: c.419G>A on transcript NM_014324.6 (MANE Select); coding-DNA position 419, G replaced by A.
Protein change: p.Gly140Asp; replaces glycine 140 with aspartic acid.
Molecular consequence: missense variant. On other transcripts: intron variant (1).
Genome position (GRCh38, 1-based): chr5:34,004,707, C>T on the plus strand (G>A on the coding strand, the complement: AMACR is on the minus strand). VCF-style: chr5-34004707-C-T. GRCh37 (hg19) VCF-style: chr5-34004812-C-T.
Other names: c.419G>A, p.Gly140Asp (NM_001167595.2); c.391+1049G>A (NM_203382.3); short protein forms G140D.
Identifiers: ClinVar variation 1516853 (VCV001516853.3), dbSNP rs2112070079, ClinGen allele CA359383411.